The following is an entry in ClinVar:

ClinVar aggregate classification (germline): Uncertain significance (1 of 4 stars; one submission).

Allele frequency attached by ClinVar (database versions not stated): gnomAD 0.00001; gnomAD exomes 0.00002; ExAC 0.00003.
gnomAD v4.1: 30 of 1,610,342 alleles (0.0019%); highest among the groups gnomAD compares: South Asian, 0.033%; 2 homozygotes.

Submission:

Labcorp Genetics (formerly Invitae), Labcorp
Classification: Uncertain significance. Last evaluated: 2023-06-16. Review status: criteria provided, single submitter. Criteria: Invitae Variant Classification Sherloc (09022015). Collection method: clinical testing. Allele origin: germline.
Comment: Variants that disrupt the consensus splice site are a relatively common cause of aberrant splicing (PMID: 17576681, 9536098). Algorithms developed to predict the effect of sequence changes on RNA splicing suggest that this variant is not likely to affect RNA splicing. This variant has not been reported in the literature in individuals affected with PLCB4-related conditions. This variant is present in population databases (rs772546843, gnomAD 0.02%). This sequence change falls in intron 23 of the PLCB4 gene. It does not directly change the encoded amino acid sequence of the PLCB4 protein. It affects a nucleotide within the consensus splice site. In summary, the available evidence is currently insufficient to determine the role of this variant in disease. Therefore, it has been classified as a Variant of Uncertain Significance.

Literature cited by the submitters: PubMed 17576681; PubMed 9536098.

NM_001377142.1(PLCB4):c.2319+6A>T

Gene: PLCB4 (phospholipase C beta 4; plus strand). Cytogenetic location: 20p12.2.
Variant type: single nucleotide variant.
Coding change: c.2319+6A>T on transcript NM_001377142.1 (MANE Select); 6 bases into the intron after coding-DNA position 2319, A replaced by T.
Molecular consequence: intron variant.
Genome position (GRCh38, 1-based): chr20:9,421,467, A>T. VCF-style: chr20-9421467-A-T. GRCh37 (hg19) VCF-style: chr20-9402114-A-T.
Other names: c.2283+6A>T (NM_001377134.2, NM_000933.4, NM_182797.3 and 2 more transcripts); c.2319+6A>T (NM_001377143.1, NM_001172646.2).
Identifiers: ClinVar variation 2787424 (VCV002787424.3), dbSNP rs772546843, ClinGen allele CA9761341.